The following is an entry in ClinVar:

ClinVar aggregate classification (germline): Benign/Likely benign. Review status: criteria provided, multiple submitters, no conflicts (2 of 4 stars). 2 submissions from 2 submitters: Benign (1); Likely benign (1). Last evaluated 2026-07-02.

Conditions:
Sessile serrated polyposis cancer syndrome (SSPCS). Identifiers: Orphanet 157798, MedGen C4310714, MONDO:0014919, OMIM 617108.

Submissions (2):

Myriad Genetics, Inc.
Classification: Benign for Sessile serrated polyposis cancer syndrome. Last evaluated: 2026-07-02. Review status: criteria provided, single submitter. Criteria: Myriad Autosomal Dominant, Autosomal Recessive and X-Linked Classification Criteria (2023). Collection method: clinical testing. Allele origin: unknown.
Comment: This variant is considered benign. This variant is a silent/synonymous amino acid change and it is not expected to impact splicing.

Ambry Genetics
Classification: Likely benign. Last evaluated: 2025-11-29. Review status: criteria provided, single submitter. Criteria: Ambry Variant Classification Scheme 2023. Collection method: clinical testing. Allele origin: germline.

NM_017763.6(RNF43):c.1572T>C (p.Pro524=)

Gene: RNF43 (ring finger protein 43; minus strand). Cytogenetic location: 17q22.
Variant type: single nucleotide variant.
Coding change: c.1572T>C on transcript NM_017763.6 (MANE Select); coding-DNA position 1572, T replaced by C.
Protein change: p.Pro524=; no amino-acid change (proline 524 retained).
Molecular consequence: synonymous variant.
Genome position (GRCh38, 1-based): chr17:58,358,204, A>G on the plus strand (T>C on the coding strand, the complement: RNF43 is on the minus strand). VCF-style: chr17-58358204-A-G. GRCh37 (hg19) VCF-style: chr17-56435565-A-G.
Other names: c.1572T>C, p.Pro524= (NM_001305544.3, NM_001438820.1, NM_001438821.1 and 1 more transcripts); c.1191T>C, p.Pro397= (NM_001305545.2, NM_001437987.1).
Identifiers: ClinVar variation 4579011 (VCV004579011.2).